The following is an entry in ClinVar:

ClinVar aggregate classification (germline): Uncertain significance. Review status: criteria provided, multiple submitters, no conflicts (2 of 4 stars). 2 submissions from 2 submitters: Uncertain significance (2). Last evaluated 2023-08-10.

Allele frequency attached by ClinVar (database versions not stated): gnomAD 0.00001.

Submissions (2):

Labcorp Genetics (formerly Invitae), Labcorp
Classification: Uncertain significance. Last evaluated: 2023-08-10. Review status: criteria provided, single submitter. Criteria: Invitae Variant Classification Sherloc (09022015). Collection method: clinical testing. Allele origin: germline.
Comment: This sequence change replaces threonine, which is neutral and polar, with serine, which is neutral and polar, at codon 140 of the DRAM2 protein (p.Thr140Ser). This variant is not present in population databases (gnomAD no frequency). This variant has not been reported in the literature in individuals affected with DRAM2-related conditions. ClinVar contains an entry for this variant (Variation ID: 423554). Advanced modeling of protein sequence and biophysical properties (such as structural, functional, and spatial information, amino acid conservation, physicochemical variation, residue mobility, and thermodynamic stability) performed at Invitae indicates that this missense variant is not expected to disrupt DRAM2 protein function. In summary, the available evidence is currently insufficient to determine the role of this variant in disease. Therefore, it has been classified as a Variant of Uncertain Significance.

GeneDx
Classification: Uncertain significance. Last evaluated: 2019-09-18. Review status: criteria provided, single submitter. Criteria: GeneDx Variant Classification Process June 2021. Collection method: clinical testing. Allele origin: germline. Affected: yes.
Comment: Not observed in large population cohorts (Lek et al., 2016); In silico analysis, which includes protein predictors and evolutionary conservation, supports that this variant does not alter protein structure/function; Has not been previously published as pathogenic or benign to our knowledge

NM_001349884.2(DRAM2):c.419C>G (p.Thr140Ser)

Gene: DRAM2 (DNA damage regulated autophagy modulator 2; minus strand). Cytogenetic location: 1p13.3.
Variant type: single nucleotide variant.
Coding change: c.419C>G on transcript NM_001349884.2 (MANE Select); coding-DNA position 419, C replaced by G.
Protein change: p.Thr140Ser; replaces threonine 140 with serine.
Molecular consequence: missense variant. On other transcripts: non-coding transcript variant (8).
Genome position (GRCh38, 1-based): chr1:111,120,614, G>C on the plus strand (C>G on the coding strand, the complement: DRAM2 is on the minus strand). VCF-style: chr1-111120614-G-C. GRCh37 (hg19) VCF-style: chr1-111663236-G-C.
Other names: c.419C>G, p.Thr140Ser (NM_001349881.2, NM_001349882.2, NM_001349885.2 and 1 more transcripts); c.149C>G, p.Thr50Ser (NM_001349886.2, NM_001349887.2, NM_001349888.2); c.29C>G, p.Thr10Ser (NM_001349889.2, NM_001349890.2, NM_001349891.2 and 2 more transcripts); short protein forms T140S, T10S, T50S.
Identifiers: ClinVar variation 423554 (VCV000423554.8), dbSNP rs1064796490, ClinGen allele CA16616955.
Genomic context (GRCh38, chr1:111,120,614, plus strand): 5'-AGTCTGATCCAGAAGACTTGTTTGCCATGGATTTTGGGCTGCATTTGGTAGGAAAGGATG[G>C]TCTGAACAAACATATATAATGAGCCCATACCAAAGGTAAGCACAGCTCCACTTACATGTG-3'
Protein context (NP_001336813.1, residues 130-150): GMGSLYMFVQ[Thr140Ser]ILSYQMQPKI